The following is an entry in ClinVar:

NM_015559.3(SETBP1):c.3722A>G (p.His1241Arg)

Gene: SETBP1 (SET binding protein 1; plus strand). Cytogenetic location: 18q12.3.
Variant type: single nucleotide variant.
Coding change: c.3722A>G on transcript NM_015559.3 (MANE Select); coding-DNA position 3722, A replaced by G.
Protein change: p.His1241Arg; replaces histidine 1241 with arginine.
Molecular consequence: missense variant.
Genome position (GRCh38, 1-based): chr18:44,953,062, A>G. VCF-style: chr18-44953062-A-G. GRCh37 (hg19) VCF-style: chr18-42533027-A-G.
Other names: c.3722A>G, p.His1241Arg (NM_001379141.1, NM_001379142.1, NM_001410862.1); short protein forms H1241R.
Identifiers: ClinVar variation 2174269 (VCV002174269.4), dbSNP rs773663228, ClinGen allele CA8945969.

ClinVar aggregate classification (germline): Uncertain significance (1 of 4 stars; one submission).

Allele frequency attached by ClinVar (database versions not stated): ExAC 0.00001; gnomAD 0.00001; gnomAD exomes 0.00001; TOPMed 0.00003.
gnomAD v4.1: 23 of 1,614,126 alleles (0.0014%); highest among the groups gnomAD compares: Non-Finnish European, 0.0019%; no homozygotes.

Submission:

Labcorp Genetics (formerly Invitae), Labcorp
Classification: Uncertain significance. Last evaluated: 2023-05-20. Review status: criteria provided, single submitter. Criteria: Invitae Variant Classification Sherloc (09022015). Collection method: clinical testing. Allele origin: germline.
Comment: This sequence change replaces histidine, which is basic and polar, with arginine, which is basic and polar, at codon 1241 of the SETBP1 protein (p.His1241Arg). This variant is present in population databases (rs773663228, gnomAD 0.002%). This variant has not been reported in the literature in individuals affected with SETBP1-related conditions. ClinVar contains an entry for this variant (Variation ID: 2174269). Advanced modeling of protein sequence and biophysical properties (such as structural, functional, and spatial information, amino acid conservation, physicochemical variation, residue mobility, and thermodynamic stability) performed at Invitae indicates that this missense variant is not expected to disrupt SETBP1 protein function. In summary, the available evidence is currently insufficient to determine the role of this variant in disease. Therefore, it has been classified as a Variant of Uncertain Significance.